The following is an entry in ClinVar:

NM_001372.4(DNAH9):c.1944T>G (p.Tyr648Ter)

Gene: DNAH9 (dynein axonemal heavy chain 9; plus strand). Cytogenetic location: 17p12.
Variant type: single nucleotide variant.
Coding change: c.1944T>G on transcript NM_001372.4 (MANE Select); coding-DNA position 1944, T replaced by G.
Protein change: p.Tyr648Ter; replaces tyrosine 648 with a stop codon.
Molecular consequence: nonsense.
Genome position (GRCh38, 1-based): chr17:11,644,673, T>G. VCF-style: chr17-11644673-T-G. GRCh37 (hg19) VCF-style: chr17-11547990-T-G.
Other names: short protein forms Y648*.
Identifiers: ClinVar variation 2635324 (VCV002635324.2), dbSNP rs771780422, ClinGen allele CA8395031.

ClinVar aggregate classification (germline): Likely pathogenic. Review status: criteria provided, multiple submitters, no conflicts (2 of 4 stars). 2 submissions from 2 submitters: Likely pathogenic (2). Last evaluated 2023-09-15.

Conditions:
DNAH9-related disorder. Also called: DNAH9-related condition.
Ciliary dyskinesia, primary, 40. Also called: CILIARY DYSKINESIA, PRIMARY, 40, WITH OR WITHOUT SITUS INVERSUS. Identifiers: MedGen C4749028, MONDO:0032664, OMIM 618300.

Allele frequency attached by ClinVar (database versions not stated): TOPMed below 0.00001; ExAC 0.00001.
gnomAD v4.1: 5 of 1,613,076 alleles (0.00031%); highest among the groups gnomAD compares: Non-Finnish European, 0.00042%; no homozygotes.

Submissions (2):

Department of Pathology and Laboratory Medicine, Sinai Health System
Classification: Likely pathogenic for Ciliary dyskinesia, primary, 40. Last evaluated: 2023-09-15. Review status: criteria provided, single submitter. Criteria: ACMG Guidelines, 2015. Collection method: research. Allele origin: germline.

PreventionGenetics, part of Exact Sciences
Classification: Likely pathogenic for DNAH9-related condition. Last evaluated: 2022-11-22. Review status: criteria provided, single submitter. Criteria: ACMG Guidelines, 2015. Collection method: clinical testing. Allele origin: germline.
Comment: The DNAH9 c.1944T>G variant is predicted to result in premature protein termination (p.Tyr648*). To our knowledge, this variant has not been reported in the literature. This variant is reported in 0.0023% of alleles in individuals of European (Non-Finnish) descent in gnomAD. Nonsense variants in DNAH9 are expected to be pathogenic. This variant is interpreted as likely pathogenic.